The following is an entry in ClinVar:

NM_001143981.2(CHRDL1):c.1157-1G>A

Gene: CHRDL1 (chordin like 1; minus strand). Cytogenetic location: Xq23.
Variant type: single nucleotide variant.
Coding change: c.1157-1G>A on transcript NM_001143981.2 (MANE Select); the canonical splice acceptor site of the intron before coding-DNA position 1157, G replaced by A.
Molecular consequence: splice acceptor variant.
Genome position (GRCh38, 1-based): chrX:110,679,426, C>T on the plus strand (G>A on the coding strand, the complement: CHRDL1 is on the minus strand). VCF-style: chrX-110679426-C-T. GRCh37 (hg19) VCF-style: chrX-109922654-C-T.
Other names: c.917-1G>A (NM_001143983.3); c.1139-1G>A (NM_001367207.1, NM_001367208.1); c.1154-1G>A (NM_001143982.2); c.1142-1G>A (NM_001367206.1, NM_001367205.1); c.1151-1G>A (NM_145234.4); c.1126-1G>A (NM_001367209.1); c.1157-1G>A (NM_001367204.1).
Identifiers: ClinVar variation 4994881 (VCV004994881.1).

ClinVar aggregate classification (germline): Likely pathogenic (1 of 4 stars; one submission).

Conditions:
CHRDL1-related disorder. Also called: CHRDL1-related condition.

Submission:

PreventionGenetics, part of Exact Sciences
Classification: Likely pathogenic for CHRDL1-related condition. Last evaluated: 2025-08-21. Review status: criteria provided, single submitter. Criteria: ACMG Guidelines, 2015. Collection method: clinical testing. Allele origin: germline.
Comment: The CHRDL1 c.1157-1G>A variant is predicted to disrupt the AG splice acceptor site and interfere with normal splicing. To our knowledge, this variant has not been reported in the literature or in a large population database (gnomAD), indicating this variant is rare. Variants that disrupt the consensus splice acceptor site in CHRDL1 are expected to be pathogenic. This variant is interpreted as likely pathogenic.